The following is an entry in ClinVar:

ClinVar aggregate classification (germline): Uncertain significance (1 of 4 stars; one submission).

Submission:

GeneDx
Classification: Uncertain significance. Last evaluated: 2022-11-18. Review status: criteria provided, single submitter. Criteria: GeneDx Variant Classification Process June 2021. Collection method: clinical testing. Allele origin: germline. Affected: yes.
Comment: Not observed at significant frequency in large population cohorts (gnomAD); In silico analysis supports that this missense variant has a deleterious effect on protein structure/function; Has not been previously published as pathogenic or benign to our knowledge

NM_013436.5(NCKAP1):c.88C>T (p.Arg30Cys)

Gene: NCKAP1 (NCK associated protein 1; minus strand). Cytogenetic location: 2q32.1.
Variant type: single nucleotide variant.
Coding change: c.88C>T on transcript NM_013436.5 (MANE Select); coding-DNA position 88, C replaced by T.
Protein change: p.Arg30Cys; replaces arginine 30 with cysteine.
Molecular consequence: missense variant.
Genome position (GRCh38, 1-based): chr2:183,038,012, G>A on the plus strand (C>T on the coding strand, the complement: NCKAP1 is on the minus strand). VCF-style: chr2-183038012-G-A. GRCh37 (hg19) VCF-style: chr2-183902740-G-A.
Other names: c.88C>T, p.Arg30Cys (NM_205842.3); short protein forms R30C.
Identifiers: ClinVar variation 2502453 (VCV002502453.1), dbSNP rs2468326017, ClinGen allele CA349758013.